The following is an entry in ClinVar:

NM_018706.7(DHTKD1):c.154+2T>G

Genes: DHTKD1 (dehydrogenase E1 and transketolase domain containing 1; plus strand), LOC130003343 (ATAC-STARR-seq lymphoblastoid silent region 2137; plus strand). Cytogenetic location: 10p14.
Variant type: single nucleotide variant.
Coding change: c.154+2T>G on transcript NM_018706.7 (MANE Select); the canonical splice donor site of the intron after coding-DNA position 154, T replaced by G.
Molecular consequence: splice donor variant.
Genome position (GRCh38, 1-based): chr10:12,069,189, T>G. VCF-style: chr10-12069189-T-G. GRCh37 (hg19) VCF-style: chr10-12111188-T-G.
Identifiers: ClinVar variation 2408969 (VCV002408969.2), dbSNP rs1245978004, ClinGen allele CA376012529.

ClinVar aggregate classification (germline): Uncertain significance (1 of 4 stars; one submission).

Conditions:
Inborn genetic diseases. Identifiers: MedGen C0950123, MeSH D030342.

Submission:

Ambry Genetics
Classification: Uncertain significance for Inborn genetic diseases. Last evaluated: 2021-04-22. Review status: criteria provided, single submitter. Criteria: Ambry Variant Classification Scheme 2023. Collection method: clinical testing. Allele origin: germline.
Comment: The c.154+2T>G intronic alteration consists of a T to G substitution nucleotides after coding exon 1 in the DHTKD1 gene. Based on insufficient or conflicting evidence, the clinical significance of this alteration remains unclear.